The following is an entry in ClinVar:

NC_000002.11:g.(?_152466313)_(152698612_?)dup

Genes: CACNB4 (calcium voltage-gated channel auxiliary subunit beta 4; minus strand), NEB (nebulin; minus strand), ARL5A (ARF like GTPase 5A; minus strand). Cytogenetic location: 2q23.3.
Variant type: Duplication.
Identifiers: ClinVar variation 999127 (VCV000999127.3).

ClinVar aggregate classification (germline): Uncertain significance (1 of 4 stars; one submission).

Conditions:
Idiopathic generalized epilepsy. Also called: EIG; Generalised epilepsy. Identifiers: MedGen C0270850, MONDO:0005579, OMIM 600669.

Submission:

Labcorp Genetics (formerly Invitae), Labcorp
Classification: Uncertain significance for Idiopathic generalized epilepsy. Last evaluated: 2020-10-09. Review status: criteria provided, single submitter. Criteria: Invitae Variant Classification Sherloc (09022015). Collection method: clinical testing. Allele origin: germline.
Comment: In summary, the available evidence is currently insufficient to determine the role of this variant in disease. Therefore, it has been classified as a Variant of Uncertain Significance. This variant has not been reported in the literature in individuals with CACNB4-related conditions. This variant results in a copy number gain of the genomic region encompassing exon(s) 13-14 of the CACNB4 gene. The 5' boundary is likely confined to intron 12. The 3' end of this event is unknown as it extends beyond the assayed region for this gene and therefore may encompass additional genes. As the precise location of this event is unknown, it may be in tandem or it may be located elsewhere in the genome.